The following is an entry in ClinVar:

ClinVar aggregate classification (germline): Uncertain significance. Review status: criteria provided, multiple submitters, no conflicts (2 of 4 stars). 2 submissions from 2 submitters: Uncertain significance (2). Last evaluated 2025-06-12.

Conditions:
Dilated cardiomyopathy 1AA (CMD1AA). Also called: CARDIOMYOPATHY, DILATED, 1AA, WITH OR WITHOUT LEFT VENTRICULAR NONCOMPACTION; CARDIOMYOPATHY, FAMILIAL HYPERTROPHIC, 23, WITH OR WITHOUT LEFT VENTRICULAR NONCOMPACTION; Cardiomyopathy, dilated, 1AA, with or without LVNC. Identifiers: Orphanet 154, MedGen C2677338, MONDO:0012808, OMIM 612158.
Primary familial hypertrophic cardiomyopathy (HCM). Identifiers: Orphanet 99739, MedGen C0949658, MeSH D024741, MONDO:0024573. Inheritance: Various modes of inheritance.
Cardiovascular phenotype. Identifiers: MedGen CN230736.

Allele frequency attached by ClinVar (database versions not stated): gnomAD exomes below 0.00001 and 0.00001; ExAC 0.00001.
gnomAD v4.1: 13 of 1,614,104 alleles (0.00081%); highest among the groups gnomAD compares: South Asian, 0.0044%; no homozygotes.

Submissions (2):

Ambry Genetics
Classification: Uncertain significance for Cardiovascular phenotype. Last evaluated: 2025-06-12. Review status: criteria provided, single submitter. Criteria: Ambry Variant Classification Scheme 2023. Collection method: clinical testing. Allele origin: germline.
Comment: The p.N804S variant (also known as c.2411A>G), located in coding exon 20 of the ACTN2 gene, results from an A to G substitution at nucleotide position 2411. The asparagine at codon 804 is replaced by serine, an amino acid with highly similar properties. This variant has been reported in an unexplained cardiac arrest cohort (Grondin S et al. Eur Heart J, 2022 Aug;43:3071-3081). This amino acid position is highly conserved in available vertebrate species. In addition, this alteration is predicted to be tolerated by in silico analysis. Based on the available evidence, the clinical significance of this variant remains unclear.

Labcorp Genetics (formerly Invitae), Labcorp
Classification: Uncertain significance for Primary familial hypertrophic cardiomyopathy; Dilated cardiomyopathy 1AA. Last evaluated: 2024-02-12. Review status: criteria provided, single submitter. Criteria: Invitae Variant Classification Sherloc (09022015). Collection method: clinical testing. Allele origin: germline.
Comment: This sequence change replaces asparagine, which is neutral and polar, with serine, which is neutral and polar, at codon 804 of the ACTN2 protein (p.Asn804Ser). This variant is present in population databases (rs776329264, gnomAD 0.0009%). This variant has not been reported in the literature in individuals affected with ACTN2-related conditions. ClinVar contains an entry for this variant (Variation ID: 1410214). An algorithm developed to predict the effect of missense changes on protein structure and function (PolyPhen-2) suggests that this variant is likely to be tolerated. In summary, the available evidence is currently insufficient to determine the role of this variant in disease. Therefore, it has been classified as a Variant of Uncertain Significance.

Literature cited by the submitters: PubMed 35352813 (cited by Ambry Genetics).

NM_001103.4(ACTN2):c.2411A>G (p.Asn804Ser)

Gene: ACTN2 (actinin alpha 2; plus strand). Cytogenetic location: 1q43.
Variant type: single nucleotide variant.
Coding change: c.2411A>G on transcript NM_001103.4 (MANE Select); coding-DNA position 2411, A replaced by G.
Protein change: p.Asn804Ser; replaces asparagine 804 with serine.
Molecular consequence: missense variant.
Genome position (GRCh38, 1-based): chr1:236,761,058, A>G. VCF-style: chr1-236761058-A-G. GRCh37 (hg19) VCF-style: chr1-236924358-A-G.
Other names: c.2411A>G, p.Asn804Ser (NM_001278343.2); c.1787A>G, p.Asn596Ser (NM_001278344.2); short protein forms N804S, N596S.
Identifiers: ClinVar variation 1410214 (VCV001410214.11), dbSNP rs776329264, ClinGen allele CA1473437.